The following is an entry in ClinVar:

ClinVar aggregate classification (germline): Conflicting classifications of pathogenicity. Review status: criteria provided, conflicting classifications (1 of 4 stars). 4 submissions from 4 submitters: Uncertain significance (1); Likely benign (2). 1 of the submissions does not count toward it. Last evaluated 2025-07-21.

Conditions:
Tumoral calcinosis, hyperphosphatemic, familial, 3. Identifiers: MedGen C4693864, MONDO:0060715, OMIM 617994.

Allele frequency attached by ClinVar (database versions not stated): ExAC 0.00002; gnomAD exomes 0.00003; TOPMed 0.00007; gnomAD 0.00008 and 0.00009.
gnomAD v4.1: 164 of 1,613,980 alleles (0.01%); highest among the groups gnomAD compares: Non-Finnish European, 0.013%; no homozygotes.

Submissions (4):

Labcorp Genetics (formerly Invitae), Labcorp
Classification: Likely benign. Last evaluated: 2025-07-21. Review status: criteria provided, single submitter. Criteria: Invitae Variant Classification Sherloc (09022015). Collection method: clinical testing. Allele origin: germline.

Fulgent Genetics
Classification: Uncertain significance for Tumoral calcinosis, hyperphosphatemic, familial, 3. Last evaluated: 2022-02-10. Review status: criteria provided, single submitter. Criteria: ACMG Guidelines, 2015. Collection method: clinical testing. Allele origin: unknown.

Blueprint Genetics
Classification: Likely benign. Last evaluated: 2020-03-18. Review status: criteria provided, single submitter. Criteria: ACMG Guidelines, 2015. Collection method: clinical testing. Allele origin: germline.

Martin Pollak Laboratory,  Beth Israel Deaconess Medical Center
Classification: Uncertain significance. Review status: no assertion criteria provided. Collection method: not provided. Allele origin: unknown. Not counted in ClinVar's aggregate classification.
Comment: Lower UCa2+ group
ClinVar note: Converted during submission from unknown to Uncertain significance.

NM_004795.4(KL):c.2862G>A (p.Pro954=)

Gene: KL (klotho; plus strand). Cytogenetic location: 13q13.1.
Variant type: single nucleotide variant.
Coding change: c.2862G>A on transcript NM_004795.4 (MANE Select); coding-DNA position 2862, G replaced by A.
Protein change: p.Pro954=; no amino-acid change (proline 954 retained).
Molecular consequence: synonymous variant.
Genome position (GRCh38, 1-based): chr13:33,064,009, G>A. VCF-style: chr13-33064009-G-A. GRCh37 (hg19) VCF-style: chr13-33638146-G-A.
Identifiers: ClinVar variation 64548 (VCV000064548.11), dbSNP rs387907447, ClinGen allele CA216381.
Genomic context (GRCh38, chr13:33,064,009, plus strand): 5'-GTTTGAGCCCAAGGCATCCATGAAACATTACAGGAAAATTATTGACAGCAATGGTTTCCC[G>A]GGCCCAGAAACTCTGGAAAGATTTTGTCCAGAAGAATTCACCGTGTGTACTGAGTGCAGT-3'
Protein context (NP_004786.2, residues 944-964): YRKIIDSNGF[Pro954=]GPETLERFCP